The following is an entry in ClinVar:

NM_130468.4(CHST14):c.245C>T (p.Ala82Val)

Gene: CHST14 (carbohydrate sulfotransferase 14; plus strand). Cytogenetic location: 15q15.1.
Variant type: single nucleotide variant.
Coding change: c.245C>T on transcript NM_130468.4 (MANE Select); coding-DNA position 245, C replaced by T.
Protein change: p.Ala82Val; replaces alanine 82 with valine.
Molecular consequence: missense variant.
Genome position (GRCh38, 1-based): chr15:40,471,458, C>T. VCF-style: chr15-40471458-C-T. GRCh37 (hg19) VCF-style: chr15-40763657-C-T.
Other names: short protein forms A82V.
Identifiers: ClinVar variation 3492649 (VCV003492649.1).

ClinVar aggregate classification (germline): Uncertain significance (1 of 4 stars; one submission).

Conditions:
Cardiovascular phenotype. Identifiers: MedGen CN230736.

Submission:

Ambry Genetics
Classification: Uncertain significance for Cardiovascular phenotype. Last evaluated: 2024-10-21. Review status: criteria provided, single submitter. Criteria: Ambry Variant Classification Scheme 2023. Collection method: clinical testing. Allele origin: germline.
Comment: The p.A82V variant (also known as c.245C>T), located in coding exon 1 of the CHST14 gene, results from a C to T substitution at nucleotide position 245. The alanine at codon 82 is replaced by valine, an amino acid with similar properties. This amino acid position is conserved. In addition, this alteration is predicted to be tolerated by in silico analysis. Based on the available evidence, the clinical significance of this variant remains unclear.